The following is an entry in ClinVar:

ClinVar aggregate classification (germline): Likely pathogenic. Review status: criteria provided, single submitter (1 of 4 stars). 2 submissions from 2 submitters: Likely pathogenic (1). 1 of the submissions does not count toward it. Last evaluated 2025-04-11.

Submissions (2):

GeneDx
Classification: Likely pathogenic. Last evaluated: 2025-04-11. Review status: criteria provided, single submitter. Criteria: GeneDx Variant Classification Process June 2021. Collection method: clinical testing. Allele origin: germline. Affected: yes.
Comment: Published functional studies demonstrate a damaging effect damaging NF-kB activity (PMID: 22517901, 39562788); Observed in hemizygous state in patients with IKBKG-related disorders in the literature and not observed in hemizygous state in controls (PMID: 11242109, 22517901); In silico analysis supports that this missense variant has a deleterious effect on protein structure/function; This variant is associated with the following publications: (PMID: 20845108, 39562788, 22517901, 11242109, 21135870, 29522649, 18851874, 17468758, 35525271, 32853772, 18350553, 23495970, 15661019)

UniProtKB/Swiss-Prot
No classification provided. Review status: no classification provided. Collection method: not provided. Allele origin: germline. Not counted in ClinVar's aggregate classification.

NM_001099857.5(IKBKG):c.680T>C (p.Leu227Pro)

Gene: IKBKG (inhibitor of nuclear factor kappa B kinase regulatory subunit gamma; plus strand). Cytogenetic location: Xq28.
Variant type: single nucleotide variant.
Coding change: c.680T>C on transcript NM_001099857.5 (MANE Select); coding-DNA position 680, T replaced by C.
Protein change: p.Leu227Pro; replaces leucine 227 with proline.
Molecular consequence: missense variant. On other transcripts: non-coding transcript variant (1), intron variant (1).
Genome position (GRCh38, 1-based): chrX:154,561,696, T>C. VCF-style: chrX-154561696-T-C. GRCh37 (hg19) VCF-style: chrX-153789911-T-C.
Other names: c.884T>C, p.Leu295Pro (NM_001099856.6); c.527T>C, p.Leu176Pro (NM_001145255.4); c.680T>C, p.Leu227Pro (NM_001321396.3, NM_001377312.1, NM_003639.4); c.677T>C, p.Leu226Pro (NM_001321397.3, NM_001377313.1); c.524T>C, p.Leu175Pro (NM_001377314.1); c.400-1114T>C (NM_001377315.1); short protein forms L227P, L176P, L226P, L295P, L175P.
Identifiers: ClinVar variation 68238 (VCV000068238.2), dbSNP rs179363869, ClinGen allele CA219234.
Genomic context (GRCh38, chrX:154,561,696, plus strand): 5'-GTGGCTGGACTGGCATGAGGTGGTTTCTCCAGCAAAAGCTCCCTTTCCTCAGGAGGAAGC[T>C]GGCCCAGTTGCAGGTGGCCTATCACCAGCTCTTCCAAGAATACGACAACCACATCAAGAG-3'
Protein context (NP_001093327.1, residues 217-237): RQAASEEKRK[Leu227Pro]AQLQVAYHQL